The following is an entry in ClinVar:

ClinVar aggregate classification (germline): Uncertain significance (1 of 4 stars; one submission).

Allele frequency attached by ClinVar (database versions not stated): gnomAD exomes below 0.00001; TOPMed below 0.00001; gnomAD 0.00001.
gnomAD v4.1: 7 of 1,613,892 alleles (0.00043%); highest among the groups gnomAD compares: Non-Finnish European, 0.00059%; no homozygotes.

Submission:

Labcorp Genetics (formerly Invitae), Labcorp
Classification: Uncertain significance. Last evaluated: 2022-11-21. Review status: criteria provided, single submitter. Criteria: Invitae Variant Classification Sherloc (09022015). Collection method: clinical testing. Allele origin: germline.
Comment: In summary, the available evidence is currently insufficient to determine the role of this variant in disease. Therefore, it has been classified as a Variant of Uncertain Significance. Algorithms developed to predict the effect of missense changes on protein structure and function are either unavailable or do not agree on the potential impact of this missense change (SIFT: "Tolerated"; PolyPhen-2: "Not Available"; Align-GVGD: "Class C0"). ClinVar contains an entry for this variant (Variation ID: 1681329). This variant has not been reported in the literature in individuals affected with KIAA1161-related conditions. This variant is not present in population databases (gnomAD no frequency). This sequence change replaces alanine, which is neutral and non-polar, with glycine, which is neutral and non-polar, at codon 31 of the KIAA1161 protein (p.Ala31Gly).

NM_020702.5(MYORG):c.92C>G (p.Ala31Gly)

Gene: MYORG (myogenesis regulating glycosidase; minus strand). Cytogenetic location: 9p13.3.
Variant type: single nucleotide variant.
Coding change: c.92C>G on transcript NM_020702.5 (MANE Select); coding-DNA position 92, C replaced by G.
Protein change: p.Ala31Gly; replaces alanine 31 with glycine.
Molecular consequence: missense variant.
Genome position (GRCh38, 1-based): chr9:34,372,852, G>C on the plus strand (C>G on the coding strand, the complement: MYORG is on the minus strand). VCF-style: chr9-34372852-G-C. GRCh37 (hg19) VCF-style: chr9-34372850-G-C.
Other names: short protein forms A31G.
Identifiers: ClinVar variation 1681329 (VCV001681329.6), dbSNP rs1464194992, ClinGen allele CA373248116.